The following is an entry in ClinVar:

ClinVar aggregate classification (germline): Uncertain significance (1 of 4 stars; one submission).

Submission:

Ambry Genetics
Classification: Uncertain significance. Last evaluated: 2026-09-14. Review status: criteria provided, single submitter. Criteria: Ambry Variant Classification Scheme 2023. Collection method: clinical testing. Allele origin: germline.
Comment: The p.G342R variant (also known as c.1024G>A), located in coding exon 1 of the TET2 gene, results from a G to A substitution at nucleotide position 1024. The glycine at codon 342 is replaced by arginine, an amino acid with dissimilar properties. This amino acid position is conserved. In addition, this alteration is predicted to be tolerated by in silico analysis. Based on the available evidence, the clinical significance of this variant remains unclear.

NM_001127208.3(TET2):c.1024G>A (p.Gly342Arg)

Genes: TET2 (tet methylcytosine dioxygenase 2; plus strand), TET2-AS1 (TET2 antisense RNA 1; minus strand). Cytogenetic location: 4q24.
Variant type: single nucleotide variant.
Coding change: c.1024G>A on transcript NM_001127208.3 (MANE Select); coding-DNA position 1024, G replaced by A.
Protein change: p.Gly342Arg; replaces glycine 342 with arginine.
Molecular consequence: missense variant.
Genome position (GRCh38, 1-based): chr4:105,234,966, G>A. VCF-style: chr4-105234966-G-A. GRCh37 (hg19) VCF-style: chr4-106156123-G-A.
Other names: c.1024G>A, p.Gly342Arg (NM_017628.4); short protein forms G342R.
Identifiers: ClinVar variation 5030791 (VCV005030791.1).